The following is an entry in ClinVar:

NM_139276.3(STAT3):c.173A>G (p.His58Arg)

Gene: STAT3 (signal transducer and activator of transcription 3; minus strand). Cytogenetic location: 17q21.2.
Variant type: single nucleotide variant.
Coding change: c.173A>G on transcript NM_139276.3 (MANE Select); coding-DNA position 173, A replaced by G.
Protein change: p.His58Arg; replaces histidine 58 with arginine.
Molecular consequence: missense variant.
Genome position (GRCh38, 1-based): chr17:42,346,669, T>C on the plus strand (A>G on the coding strand, the complement: STAT3 is on the minus strand). VCF-style: chr17-42346669-T-C. GRCh37 (hg19) VCF-style: chr17-40498687-T-C.
Other names: c.173A>G, p.His58Arg (NM_001369512.1, NM_001369513.1, NM_001369514.1 and 17 more transcripts); short protein forms H58R.
Identifiers: ClinVar variation 3751122 (VCV003751122.3).

ClinVar aggregate classification (germline): Uncertain significance. Review status: criteria provided, multiple submitters, no conflicts (2 of 4 stars). 2 submissions from 2 submitters: Uncertain significance (2). Last evaluated 2024-11-10.

Conditions:
STAT3-related disorder. Also called: STAT3-related condition.
Hyper-IgE recurrent infection syndrome 1, autosomal dominant. Also called: STAT3 Hyper IgE Syndrome; Job's Syndrome; JOB SYNDROME; Hyper-IgE recurrent infection syndrome 1; HYPER-IgE SYNDROME 1, AUTOSOMAL DOMINANT, WITH RECURRENT INFECTIONS. Identifiers: Orphanet 2314, MedGen C2936739, MONDO:0007818, OMIM 147060.
STAT3 gain of function. Identifiers: MedGen C4288261.

Submissions (2):

PreventionGenetics, part of Exact Sciences
Classification: Uncertain significance for STAT3-related condition. Last evaluated: 2024-11-10. Review status: criteria provided, single submitter. Criteria: ACMG Guidelines, 2015. Collection method: clinical testing. Allele origin: germline.
Comment: The STAT3 c.173A>G variant is predicted to result in the amino acid substitution p.His58Arg. To our knowledge, this variant has not been reported in the literature or in a large population database (gnomAD), indicating this variant is rare. At this time, the clinical significance of this variant is uncertain due to the absence of conclusive functional and genetic evidence.

Labcorp Genetics (formerly Invitae), Labcorp
Classification: Uncertain significance for STAT3 gain of function; Hyper-IgE recurrent infection syndrome 1, autosomal dominant. Last evaluated: 2024-03-10. Review status: criteria provided, single submitter. Criteria: Invitae Variant Classification Sherloc (09022015). Collection method: clinical testing. Allele origin: germline.
Comment: This sequence change replaces histidine, which is basic and polar, with arginine, which is basic and polar, at codon 58 of the STAT3 protein (p.His58Arg). This variant is not present in population databases (gnomAD no frequency). This variant has not been reported in the literature in individuals affected with STAT3-related conditions. Advanced modeling of protein sequence and biophysical properties (such as structural, functional, and spatial information, amino acid conservation, physicochemical variation, residue mobility, and thermodynamic stability) performed at Invitae indicates that this missense variant is not expected to disrupt STAT3 protein function with a negative predictive value of 80%. In summary, the available evidence is currently insufficient to determine the role of this variant in disease. Therefore, it has been classified as a Variant of Uncertain Significance.